The following is an entry in ClinVar:

NM_005902.4(SMAD3):c.798G>A (p.Ser266=)

Gene: SMAD3 (SMAD family member 3; plus strand). Cytogenetic location: 15q22.33.
Variant type: single nucleotide variant.
Coding change: c.798G>A on transcript NM_005902.4 (MANE Select); coding-DNA position 798, G replaced by A.
Protein change: p.Ser266=; no amino-acid change (serine 266 retained).
Molecular consequence: synonymous variant.
Genome position (GRCh38, 1-based): chr15:67,181,380, G>A. VCF-style: chr15-67181380-G-A. GRCh37 (hg19) VCF-style: chr15-67473718-G-A.
Other names: c.483G>A, p.Ser161= (NM_001145102.2); c.666G>A, p.Ser222= (NM_001145103.2); c.213G>A, p.Ser71= (NM_001145104.2).
Identifiers: ClinVar variation 378622 (VCV000378622.62), dbSNP rs761391442, ClinGen allele CA062681.

ClinVar aggregate classification (germline): Conflicting classifications of pathogenicity. Review status: criteria provided, conflicting classifications (1 of 4 stars). 10 submissions from 10 submitters: Uncertain significance (1); Benign (1); Likely benign (8). Last evaluated 2026-07-10.

Conditions:
Familial thoracic aortic aneurysm and aortic dissection (TAAD). Also called: Thoracic aortic aneurysms and dissections. Identifiers: Orphanet 91387, MedGen C4707243, MONDO:0019625.
Aneurysm-osteoarthritis syndrome. Also called: Loeys-Dietz syndrome, type 1C; SMAD3-Related Loeys-Dietz Syndrome; LOEYS-DIETZ SYNDROME WITH OSTEOARTHRITIS; ANEURYSMS-OSTEOARTHRITIS SYNDROME. Identifiers: Orphanet 284984, MedGen C3151087, MONDO:0013426, OMIM 613795.
SMAD3-related disorder. Also called: SMAD3-related condition.

Allele frequency attached by ClinVar (database versions not stated): gnomAD 0.00001; TOPMed 0.00001; ExAC 0.00004; gnomAD exomes 0.00004.
gnomAD v4.1: 83 of 1,614,006 alleles (0.0051%); highest among the groups gnomAD compares: Non-Finnish European, 0.0064%; no homozygotes.

Submissions (10):

PreventionGenetics, part of Exact Sciences
Classification: Likely benign for SMAD3-related condition. Last evaluated: 2026-07-10. Review status: criteria provided, single submitter. Criteria: ACMG Guidelines, 2015. Collection method: clinical testing. Allele origin: germline.
Comment: This variant is classified as likely benign based on ACMG/AMP sequence variant interpretation guidelines (Richards et al. 2015 PMID: 25741868, with internal and published modifications).

Labcorp Genetics (formerly Invitae), Labcorp
Classification: Likely benign for Familial thoracic aortic aneurysm and aortic dissection. Last evaluated: 2025-10-23. Review status: criteria provided, single submitter. Criteria: Invitae Variant Classification Sherloc (09022015). Collection method: clinical testing. Allele origin: germline.

All of Us Research Program, National Institutes of Health
Classification: Likely benign for Aneurysm-osteoarthritis syndrome. Last evaluated: 2024-02-05. Review status: criteria provided, single submitter. Criteria: ACMG Guidelines, 2015. Collection method: clinical testing. Allele origin: germline. Inheritance: Autosomal dominant inheritance. Observed: 14 variant alleles, 14 heterozygotes.
Comment: This study involves interpretation of variants in research participants for the purpose of population health screening. Participant phenotype was not available at the time of variant classification. Additional details can be found in publication PMID: 35346344, PMCID: PMC8962531

Women's Health and Genetics/Laboratory Corporation of America, LabCorp
Classification: Benign. Last evaluated: 2023-07-21. Review status: criteria provided, single submitter. Criteria: LabCorp Variant Classification Summary - May 2015. Collection method: clinical testing. Allele origin: germline.

Blueprint Genetics
Classification: Likely benign. Last evaluated: 2022-10-03. Review status: criteria provided, single submitter. Criteria: ACMG Guidelines, 2015. Collection method: clinical testing. Allele origin: germline.

GeneDx
Classification: Likely benign. Last evaluated: 2020-07-29. Review status: criteria provided, single submitter. Criteria: GeneDx Variant Classification Process June 2021. Collection method: clinical testing. Allele origin: germline. Affected: yes.

CeGaT Center for Human Genetics Tuebingen
Classification: Likely benign. Last evaluated: 2020-07-01. Review status: criteria provided, single submitter. Criteria: CeGaT Center For Human Genetics Tuebingen Variant Classification Criteria Version 2. Collection method: clinical testing. Allele origin: germline. Affected: yes. Observed: 2 variant alleles.

Color Diagnostics, LLC DBA Color Health
Classification: Likely benign for Familial thoracic aortic aneurysm and aortic dissection. Last evaluated: 2019-03-24. Review status: criteria provided, single submitter. Criteria: ACMG Guidelines, 2015. Collection method: clinical testing. Allele origin: germline.

CHEO Genetics Diagnostic Laboratory, Children's Hospital of Eastern Ontario
Classification: Uncertain significance for Familial thoracic aortic aneurysm and aortic dissection. Last evaluated: 2018-03-02. Review status: criteria provided, single submitter. Criteria: ACMG Guidelines, 2015. Collection method: clinical testing. Allele origin: germline.

Ambry Genetics
Classification: Likely benign for Familial thoracic aortic aneurysm and aortic dissection. Last evaluated: 2017-03-16. Review status: criteria provided, single submitter. Criteria: Ambry Variant Classification Scheme 2023. Collection method: clinical testing. Allele origin: germline.